The following is an entry in ClinVar:

ClinVar aggregate classification (germline): Likely benign. Review status: criteria provided, multiple submitters, no conflicts (2 of 4 stars). 4 submissions from 4 submitters: Likely benign (4). Last evaluated 2025-12-23.

Conditions:
Congenital contractural arachnodactyly (CCA). Also called: BEALS SYNDROME; Beals-Hecht syndrome; Arthrogryposis, distal, type 9. Identifiers: Orphanet 115, MedGen C0220668, MONDO:0007363, OMIM 121050.

Allele frequency attached by ClinVar (database versions not stated): gnomAD exomes 0.00001 and 0.00004; ExAC 0.00007; gnomAD 0.00009 and 0.00011; ESP Exome Variant Server 0.00015; TOPMed 0.00015.
gnomAD v4.1: 20 of 1,613,770 alleles (0.0012%); highest among the groups gnomAD compares: African/African-American, 0.027%; no homozygotes.

Submissions (4):

Labcorp Genetics (formerly Invitae), Labcorp
Classification: Likely benign for Congenital contractural arachnodactyly. Last evaluated: 2025-12-23. Review status: criteria provided, single submitter. Criteria: Invitae Variant Classification Sherloc (09022015). Collection method: clinical testing. Allele origin: germline.

Women's Health and Genetics/Laboratory Corporation of America, LabCorp
Classification: Likely benign. Last evaluated: 2025-01-10. Review status: criteria provided, single submitter. Criteria: LabCorp Variant Classification Summary - May 2015. Collection method: clinical testing. Allele origin: germline.

Blueprint Genetics
Classification: Likely benign. Last evaluated: 2018-05-11. Review status: criteria provided, single submitter. Criteria: ACMG Guidelines, 2015. Collection method: clinical testing. Allele origin: germline.

GeneDx
Classification: Likely benign. Last evaluated: 2016-02-19. Review status: criteria provided, single submitter. Criteria: GeneDx Variant Classification (06012015). Collection method: clinical testing. Allele origin: germline. Affected: yes.
Comment: This variant is considered likely benign or benign based on one or more of the following criteria: it is a conservative change, it occurs at a poorly conserved position in the protein, it is predicted to be benign by multiple in silico algorithms, and/or has population frequency not consistent with disease.

NM_001999.4(FBN2):c.2989+20G>A

Gene: FBN2 (fibrillin 2; minus strand). Cytogenetic location: 5q23.3.
Variant type: single nucleotide variant.
Coding change: c.2989+20G>A on transcript NM_001999.4 (MANE Select); 20 bases into the intron after coding-DNA position 2989, G replaced by A.
Molecular consequence: intron variant.
Genome position (GRCh38, 1-based): chr5:128,349,327, C>T on the plus strand (G>A on the coding strand, the complement: FBN2 is on the minus strand). VCF-style: chr5-128349327-C-T. GRCh37 (hg19) VCF-style: chr5-127685019-C-T.
Identifiers: ClinVar variation 377866 (VCV000377866.9), dbSNP rs374450061, ClinGen allele CA3395377.